The following is an entry in ClinVar:

NM_212482.4(FN1):c.3817C>G (p.Leu1273Val)

Gene: FN1 (fibronectin 1; minus strand). Cytogenetic location: 2q35.
Variant type: single nucleotide variant.
Coding change: c.3817C>G on transcript NM_212482.4 (MANE Select); coding-DNA position 3817, C replaced by G.
Protein change: p.Leu1273Val; replaces leucine 1273 with valine.
Molecular consequence: missense variant. On other transcripts: intron variant (10).
Genome position (GRCh38, 1-based): chr2:215,393,183, G>C on the plus strand (C>G on the coding strand, the complement: FN1 is on the minus strand). VCF-style: chr2-215393183-G-C. GRCh37 (hg19) VCF-style: chr2-216257906-G-C.
Other names: c.3817C>G, p.Leu1273Val (NM_001306129.2, NM_001306130.2, NM_001365517.2 and 3 more transcripts); c.3796+1345C>G (NM_212474.3, NM_001306132.2, NM_001365523.2 and 7 more transcripts); short protein forms L1273V.
Identifiers: ClinVar variation 4808870 (VCV004808870.1).

ClinVar aggregate classification (germline): Uncertain significance (1 of 4 stars; one submission).

gnomAD v4.1: 2 of 1,613,856 alleles (0.00012%); highest among the groups gnomAD compares: Non-Finnish European, 0.00017%; no homozygotes.

Submission:

Labcorp Genetics (formerly Invitae), Labcorp
Classification: Uncertain significance. Last evaluated: 2025-02-15. Review status: criteria provided, single submitter. Criteria: Invitae Variant Classification Sherloc (09022015). Collection method: clinical testing. Allele origin: germline.
Comment: This sequence change replaces leucine, which is neutral and non-polar, with valine, which is neutral and non-polar, at codon 1273 of the FN1 protein (p.Leu1273Val). This variant is not present in population databases (gnomAD no frequency). This variant has not been reported in the literature in individuals affected with FN1-related conditions. An algorithm developed to predict the effect of missense changes on protein structure and function (PolyPhen-2) suggests that this variant is likely to be disruptive. In summary, the available evidence is currently insufficient to determine the role of this variant in disease. Therefore, it has been classified as a Variant of Uncertain Significance.